The following is an entry in ClinVar:

ClinVar aggregate classification (germline): Uncertain significance. Review status: criteria provided, multiple submitters, no conflicts (2 of 4 stars). 3 submissions from 3 submitters: Uncertain significance (3). Last evaluated 2025-03-22.

Conditions:
Inborn genetic diseases. Identifiers: MedGen C0950123, MeSH D030342.

Allele frequency attached by ClinVar (database versions not stated): gnomAD exomes 0.00004.
gnomAD v4.1: 11 of 1,315,110 alleles (0.00084%); highest among the groups gnomAD compares: Non-Finnish European, 0.0011%; no homozygotes.

Submissions (3):

Ambry Genetics
Classification: Uncertain significance for Inborn genetic diseases. Last evaluated: 2025-03-22. Review status: criteria provided, single submitter. Criteria: Ambry Variant Classification Scheme 2023. Collection method: clinical testing. Allele origin: germline.

Labcorp Genetics (formerly Invitae), Labcorp
Classification: Uncertain significance. Last evaluated: 2022-09-29. Review status: criteria provided, single submitter. Criteria: Invitae Variant Classification Sherloc (09022015). Collection method: clinical testing. Allele origin: germline.
Comment: In summary, the available evidence is currently insufficient to determine the role of this variant in disease. Therefore, it has been classified as a Variant of Uncertain Significance. Algorithms developed to predict the effect of missense changes on protein structure and function output the following: SIFT: "Tolerated"; PolyPhen-2: "Benign"; Align-GVGD: "Class C0". The threonine amino acid residue is found in multiple mammalian species, which suggests that this missense change does not adversely affect protein function. ClinVar contains an entry for this variant (Variation ID: 1338009). This variant has not been reported in the literature in individuals affected with GSN-related conditions. The frequency data for this variant in the population databases is considered unreliable, as metrics indicate poor data quality at this position in the gnomAD database. This sequence change replaces alanine, which is neutral and non-polar, with threonine, which is neutral and polar, at codon 9 of the GSN protein (p.Ala9Thr).

Genetic Services Laboratory, University of Chicago
Classification: Uncertain significance. Last evaluated: 2021-12-01. Review status: criteria provided, single submitter. Criteria: ACMG Guidelines, 2015. Collection method: clinical testing. Allele origin: germline. Affected: no.
Comment: DNA sequence analysis of the GSN gene demonstrated a sequence change, c.25G>A, in exon 1 that results in an amino acid change, p.Ala9Thr. This sequence change has been described in the gnomAD database with a frequency of 0.012% in the non-Finnish European subpopulation (dbSNP rs935992317). The p.Ala9Thr change affects a poorly conserved amino acid residue located in a domain of the GSN protein that is not known to be functional. The p.Ala9Thr substitution appears to be benign using several in-silico pathogenicity prediction tools (SIFT, PolyPhen2, Align GVGD, REVEL). This sequence change does not appear to have been previously described in individuals with GSN-related disorders. Due to insufficient evidences and the lack of functional studies, the clinical significance of the p.Ala9Thr change remains unknown at this time.

NM_198252.3(GSN):c.-9-2077G>A

Gene: GSN (gelsolin; plus strand). Cytogenetic location: 9q33.2.
Variant type: single nucleotide variant.
Coding change: c.-9-2077G>A on transcript NM_198252.3 (MANE Select); 2077 bases into the intron before 9 bases upstream of the start codon, G replaced by A.
Molecular consequence: intron variant. On other transcripts: missense variant (1).
Genome position (GRCh38, 1-based): chr9:121,299,886, G>A. VCF-style: chr9-121299886-G-A. GRCh37 (hg19) VCF-style: chr9-124062164-G-A.
Other names: c.25G>A, p.Ala9Thr (NM_000177.5); c.-9-2077G>A (NM_001353054.1, NM_001353053.1, NM_001353060.2 and 5 more transcripts); c.-47-170G>A (NM_001353064.2, NM_001353066.2, NM_001353072.2 and 8 more transcripts); c.-1-2085G>A (NM_001353058.2, NM_001353059.2, NM_001353056.2 and 1 more transcripts); c.-38-179G>A (NM_001353073.2, NM_001353065.2, NM_001353068.2 and 2 more transcripts); c.100-2077G>A (NM_001127663.2); c.-32-185G>A (NM_001353070.2); c.-48-2038G>A (NM_001353055.2); and 4 more; short protein forms A9T.
Identifiers: ClinVar variation 1338009 (VCV001338009.9), dbSNP rs935992317, ClinGen allele CA199406380.